The following is an entry in ClinVar:

ClinVar aggregate classification (germline): Uncertain significance (1 of 4 stars; one submission).

Submission:

Labcorp Genetics (formerly Invitae), Labcorp
Classification: Uncertain significance. Last evaluated: 2021-02-24. Review status: criteria provided, single submitter. Criteria: Invitae Variant Classification Sherloc (09022015). Collection method: clinical testing. Allele origin: germline.
Comment: This sequence change replaces methionine with isoleucine at codon 291 of the SERPINB6 protein (p.Met291Ile). The methionine residue is highly conserved and there is a small physicochemical difference between methionine and isoleucine. This variant is not present in population databases (ExAC no frequency). This variant has not been reported in the literature in individuals with SERPINB6-related conditions. Algorithms developed to predict the effect of missense changes on protein structure and function output the following: SIFT: "Deleterious"; PolyPhen-2: "Benign"; Align-GVGD: "Class C0". The isoleucine amino acid residue is found in multiple mammalian species, suggesting that this missense change does not adversely affect protein function. These predictions have not been confirmed by published functional studies and their clinical significance is uncertain. In summary, the available evidence is currently insufficient to determine the role of this variant in disease. Therefore, it has been classified as a Variant of Uncertain Significance.

NM_004568.6(SERPINB6):c.873G>A (p.Met291Ile)

Gene: SERPINB6 (serpin family B member 6; minus strand). Cytogenetic location: 6p25.2.
Variant type: single nucleotide variant.
Coding change: c.873G>A on transcript NM_004568.6 (MANE Select); coding-DNA position 873, G replaced by A.
Protein change: p.Met291Ile; replaces methionine 291 with isoleucine.
Molecular consequence: missense variant. On other transcripts: non-coding transcript variant (1).
Genome position (GRCh38, 1-based): chr6:2,948,556, C>T on the plus strand (G>A on the coding strand, the complement: SERPINB6 is on the minus strand). VCF-style: chr6-2948556-C-T. GRCh37 (hg19) VCF-style: chr6-2948790-C-T.
Other names: c.885G>A, p.Met295Ile (NM_001195291.3, NM_001374515.1); c.915G>A, p.Met305Ile (NM_001271822.2); c.930G>A, p.Met310Ile (NM_001271823.2); c.873G>A, p.Met291Ile (NM_001271824.2, NM_001271825.2, NM_001297699.2 and 2 more transcripts); c.741G>A, p.Met247Ile (NM_001374517.1); short protein forms M291I, M305I, M247I, M295I, M310I.
Identifiers: ClinVar variation 1461097 (VCV001461097.8), dbSNP rs2113093498, ClinGen allele CA362579603.